The following is an entry in ClinVar:

NM_001111.5(ADAR):c.1565A>C (p.Asn522Thr)

Gene: ADAR (adenosine deaminase RNA specific; minus strand). Cytogenetic location: 1q21.3.
Variant type: single nucleotide variant.
Coding change: c.1565A>C on transcript NM_001111.5 (MANE Select); coding-DNA position 1565, A replaced by C.
Protein change: p.Asn522Thr; replaces asparagine 522 with threonine.
Molecular consequence: missense variant.
Genome position (GRCh38, 1-based): chr1:154,601,077, T>G on the plus strand (A>C on the coding strand, the complement: ADAR is on the minus strand). VCF-style: chr1-154601077-T-G. GRCh37 (hg19) VCF-style: chr1-154573553-T-G.
Other names: c.680A>C, p.Asn227Thr (NM_001025107.3, NM_001193495.2, NM_001365046.1 and 3 more transcripts); c.1592A>C, p.Asn531Thr (NM_001365045.1); c.1565A>C, p.Asn522Thr (NM_015840.4, NM_015841.4); short protein forms N531T, N227T, N522T.
Identifiers: ClinVar variation 1500347 (VCV001500347.8), dbSNP rs766604638, ClinGen allele CA1131531.
Genomic context (GRCh38, chr1:154,601,077, plus strand): 5'-TACAGTTCCTGGGTGGTCTCTTACCGAGGTTCATGGGGTGGTCCACTCTGCTCTATCATG[T>G]TGAACTCACAGGTTTGACTAGCGAACTGGGCATATTCTAACAGCCCGCTGATGGGGTTCT-3'
Protein context (NP_001102.3, residues 512-532): AQFASQTCEF[Asn522Thr]MIEQSGPPHE

ClinVar aggregate classification (germline): Uncertain significance (1 of 4 stars; one submission).

Conditions:
Aicardi-Goutieres syndrome 6 (AGS6). Identifiers: Orphanet 51, MedGen C3539013, MONDO:0014007, OMIM 615010.
Symmetrical dyschromatosis of extremities (DSH). Also called: SYMMETRIC DYSCHROMATOSIS OF THE EXTREMITIES; Dyschromatosis symmetrica hereditaria; RETICULATE ACROPIGMENTATION OF DOHI; DYSCHROMATOSIS SYMMETRICA HEREDITARIA 1. Identifiers: Orphanet 41, MedGen C0406775, MONDO:0007483, OMIM 127400.

Allele frequency attached by ClinVar (database versions not stated): gnomAD exomes 0.00002; ExAC 0.00002.
gnomAD v4.1: 5 of 1,614,214 alleles (0.00031%); highest among the groups gnomAD compares: Admixed American, 0.0083%; no homozygotes.

Submission:

Labcorp Genetics (formerly Invitae), Labcorp
Classification: Uncertain significance for Aicardi-Goutieres syndrome 6; Symmetrical dyschromatosis of extremities. Last evaluated: 2025-09-23. Review status: criteria provided, single submitter. Criteria: Invitae Variant Classification Sherloc (09022015). Collection method: clinical testing. Allele origin: germline.
Comment: This sequence change replaces asparagine, which is neutral and polar, with threonine, which is neutral and polar, at codon 522 of the ADAR protein (p.Asn522Thr). This variant is present in population databases (rs766604638, gnomAD 0.01%). This variant has not been reported in the literature in individuals affected with ADAR-related conditions. ClinVar contains an entry for this variant (Variation ID: 1500347). Invitae Evidence Modeling of protein sequence and biophysical properties (such as structural, functional, and spatial information, amino acid conservation, physicochemical variation, residue mobility, and thermodynamic stability) indicates that this missense variant is not expected to disrupt ADAR protein function with a negative predictive value of 80%. In summary, the available evidence is currently insufficient to determine the role of this variant in disease. Therefore, it has been classified as a Variant of Uncertain Significance.